The following is an entry in ClinVar:

NM_001267550.2(TTN):c.91257del (p.Val30420fs)

Genes: TTN-AS1 (TTN antisense RNA 1; plus strand), TTN (titin; minus strand). Cytogenetic location: 2q31.2.
Variant type: Deletion.
Coding change: c.91257del on transcript NM_001267550.2 (MANE Select); coding-DNA position 91257, one base deleted (T; older notation c.91257delT).
Protein change: p.Val30420fs; shifts the reading frame from valine 30420.
Molecular consequence: frameshift variant.
Genome position (GRCh38, 1-based): chr2:178,551,643, A deleted on the plus strand (T on the coding strand, the reverse complement: TTN is on the minus strand). VCF-style (leftmost placement, unchanged base first): chr2-178551642-CA-C. GRCh37 (hg19) VCF-style: chr2-179416369-CA-C.
Other names: c.86334del, p.Val28779fs (NM_001256850.1); c.64062del, p.Val21355fs (NM_003319.4); c.83553del, p.Val27852fs (NM_133378.4); c.64437del, p.Val21480fs (NM_133432.3); c.64638del, p.Val21547fs (NM_133437.4); short protein forms V21355fs, V21480fs, V21547fs, V27852fs, V28779fs, V30420fs.
Identifiers: ClinVar variation 2574064 (VCV002574064.1), dbSNP rs2469260344, ClinGen allele CA2697549255.

ClinVar aggregate classification (germline): Likely pathogenic (0 of 4 stars; one submission).

Conditions:
Dilated cardiomyopathy 1G (CMD1G). Identifiers: Orphanet 154, MedGen C1858763, MONDO:0011400, OMIM 604145.

Submission:

deCODE genetics, Amgen
Classification: Likely pathogenic for Dilated cardiomyopathy 1G. Last evaluated: 2023-07-21. Review status: no assertion criteria provided. Collection method: research. Allele origin: germline. Affected: yes. Observed: 3 variant alleles.
Comment: The variant NM_001267550.2:c.91257del (chr2:178551642 in TTN) was detected in 2 heterozygotes out of 58K WGS Icelanders (MAF= 0,002%). This variant has not been reported in ClinVar previously. Based on ACMG criteria (PVS1, PM2) this variant classifies as likely pathogenic.